The following is an entry in ClinVar:

ClinVar aggregate classification (germline): Uncertain significance (1 of 4 stars; one submission).

Submission:

GeneDx
Classification: Uncertain significance. Last evaluated: 2025-10-02. Review status: criteria provided, single submitter. Criteria: GeneDx Variant Classification Process June 2021. Collection method: clinical testing. Allele origin: germline.
Comment: Not observed at significant frequency in large population cohorts (gnomAD); In silico analysis suggests that this missense variant does not alter protein structure/function; Has not been previously published as pathogenic or benign to our knowledge

NM_002249.6(KCNN3):c.1189T>G (p.Ser397Ala)

Gene: KCNN3 (potassium calcium-activated channel subfamily N member 3; minus strand). Cytogenetic location: 1q21.3.
Variant type: single nucleotide variant.
Coding change: c.1189T>G on transcript NM_002249.6 (MANE Select); coding-DNA position 1189, T replaced by G.
Protein change: p.Ser397Ala; replaces serine 397 with alanine.
Molecular consequence: missense variant.
Genome position (GRCh38, 1-based): chr1:154,772,234, A>C on the plus strand (T>G on the coding strand, the complement: KCNN3 is on the minus strand). VCF-style: chr1-154772234-A-C. GRCh37 (hg19) VCF-style: chr1-154744710-A-C.
Other names: c.1189T>G, p.Ser397Ala (NM_001204087.2); c.250T>G, p.Ser84Ala (NM_001365837.1, NM_001365838.1); c.274T>G, p.Ser92Ala (NM_170782.3); short protein forms S397A, S84A, S92A.
Identifiers: ClinVar variation 3360728 (VCV003360728.2).